The following is an entry in ClinVar:

ClinVar aggregate classification (germline): Likely pathogenic. Review status: reviewed by expert panel (3 of 4 stars). 6 submissions from 6 submitters: Likely pathogenic (1). 5 of the submissions do not count toward it. Last evaluated 2025-08-18.

Conditions:
Hereditary cancer-predisposing syndrome. Also called: Hereditary Cancer Syndrome; Hereditary neoplastic syndrome; Neoplastic Syndromes, Hereditary; Tumor predisposition. Identifiers: Orphanet 140162, MedGen C0027672, MeSH D009386, MONDO:0015356.
Inherited breast cancer and ovarian cancer.
BRCA1-related cancer predisposition. Identifiers: MedGen CN377757, MONDO:0700268.
Hereditary breast ovarian cancer syndrome. Also called: BRCA1- and BRCA2-Associated Hereditary Breast and Ovarian Cancer; Hereditary breast and ovarian cancer syndrome; Hereditary breast and ovarian cancer syndrome (HBOC); Breast and ovarian cancer; Hereditary breast and/or ovarian cancer syndrome; Hereditary breast and ovarian cancer. Identifiers: Orphanet 145, MedGen C0677776, MeSH D061325, MONDO:0003582. Disease mechanism: loss of function.

Submissions (7):

ClinGen ENIGMA BRCA1 and BRCA2 Variant Curation Expert Panel, ClinGen
Classification: Likely pathogenic for BRCA1-related cancer predisposition. Last evaluated: 2025-08-18. Review status: reviewed by expert panel. Criteria: CSpec BRCA1/2ACMG Rules Specifications V1.2. Collection method: curation. Allele origin: germline. Inheritance: Autosomal dominant inheritance.
Comment: The c.5098A>G variant in BRCA1 is a missense variant predicted to cause substitution of Threonine by Alanine at amino acid 1700 (p.(Thr1700Ala)). This variant is absent from gnomAD v2.1 (exomes only, non-cancer subset, read depth ≥25) and gnomAD v3.1 (non-cancer subset, read depth ≥25) (PM2_Supporting met). Reported by three calibrated studies to exhibit protein function similar to pathogenic control variants (PMIDs:30209399, 38709234, 35196514) (PS3 met). This BRCA1 missense variant is within a key functional domain and the computational predictor BayesDel (noAF) gives a score of 0.41, above the recommended threshold of 0.28 for prediction of impact on BRCA1 function via protein change. A SpliceAI score of 0.14 indicates an unclear predicted impact on splicing (score threshold 0.10-0.20) (PP3 met). In summary, this variant meets the criteria to be classified as a Likely pathogenic variant for BRCA1-related cancer predisposition based on the ACMG/AMP criteria applied as specified by the ENIGMA BRCA1/2 VCEP (PM2_Supporting, PS3, PP3).

Genomics and Molecular Medicine Service, East Genomic Laboratory Hub, NHS Genomic Medicine Service
Classification: Likely pathogenic for Inherited breast cancer and ovarian cancer. Last evaluated: 2026-08-13. Review status: criteria provided, single submitter. Criteria: ACGS Best Practice Guidelines for Variant Classification in Rare Disease 2020. Collection method: clinical testing. Allele origin: germline. Affected: yes. Not counted in ClinVar's aggregate classification.
Comment: PS3,PM2,PP3

Women's Health and Genetics/Laboratory Corporation of America, LabCorp
Classification: Likely pathogenic for Hereditary breast ovarian cancer syndrome. Last evaluated: 2025-12-18. Review status: criteria provided, single submitter. Criteria: LabCorp Variant Classification Summary - May 2015. Collection method: clinical testing. Allele origin: germline. Not counted in ClinVar's aggregate classification.
Comment: Variant summary: BRCA1 c.5098A>G (p.Thr1700Ala) results in a non-conservative amino acid change located in the BRCT domain (IPR001357) of the encoded protein sequence. Algorithms developed to predict the effect of missense changes on protein structure and function are either unavailable or do not agree on the potential impact of this missense change. The variant was absent in 251262 control chromosomes. To our knowledge, no occurrence of c.5098A>G in individuals affected with BRCA1-related conditions has been reported. Experimental evidence evaluating an impact on protein function have shown that the variant results in loss of function, with the most pronounced variant effect resulting in <10% of normal activity (e.g. Lee_2010, Findlay_2018). The following publications have been ascertained in the context of this evaluation (PMID: 30209399, 20516115). ClinVar contains an entry for this variant (Variation ID: 55399). Based on the evidence outlined above, the variant was classified as likely pathogenic.

Labcorp Genetics (formerly Invitae), Labcorp
Classification: Likely pathogenic for Hereditary breast ovarian cancer syndrome. Last evaluated: 2025-11-19. Review status: criteria provided, single submitter. Criteria: Invitae Variant Classification Sherloc (09022015). Collection method: clinical testing. Allele origin: germline. Not counted in ClinVar's aggregate classification.
Comment: This sequence change replaces threonine, which is neutral and polar, with alanine, which is neutral and non-polar, at codon 1700 of the BRCA1 protein (p.Thr1700Ala). This variant is not present in population databases (gnomAD no frequency). This missense change has been observed in individual(s) with BRCA1-related cancers (internal data). It has also been observed to segregate with disease in related individuals. ClinVar contains an entry for this variant (Variation ID: 55399). Invitae Evidence Modeling incorporating data from in vitro experimental studies (PMID: 30209399) indicates that this missense variant is expected to disrupt BRCA1 function with a positive predictive value of 95%. Experimental studies have shown that this missense change affects BRCA1 function (PMID: 15689452, 17308087, 20516115, 30209399, 30765603). In summary, the currently available evidence indicates that the variant is pathogenic, but additional data are needed to prove that conclusively. Therefore, this variant has been classified as Likely Pathogenic.

Ambry Genetics
Classification: Pathogenic for Hereditary cancer-predisposing syndrome. Last evaluated: 2025-07-18. Review status: criteria provided, single submitter. Criteria: Ambry Variant Classification Scheme 2023. Collection method: clinical testing. Allele origin: germline. Not counted in ClinVar's aggregate classification.
Comment: The p.T1700A pathogenic mutation (also known as c.5098A>G), located in coding exon 16 of the BRCA1 gene, results from an A to G substitution at nucleotide position 5098. The threonine at codon 1700 is replaced by alanine, an amino acid with similar properties. Based on internal structural analysis, this variant is anticipated to disrupt a region of known function (Ambry internal data; Tram E et al. PLoS One. 2013 May 21;8(5); Wu Q et al. Mol Cell. 2016 Feb 4;61(3):434-448). One functional study found that the p.T1700A variant did not impact protein folding but it did have a strong effect on the protein function when compared to wildtype. While the p.T1700A variant retained roughly 85% protease sensitivity compared to wildtype, it led to less than 10% binding activity, less than 10% binding specificity, and a loss of around 80% of transcription activity compared to wildtype (Lee MS et al. Cancer Res. 2010 Jun;70:4880-90). Another functional study found that this nucleotide substitution is deleterious in a high throughput genome editing haploid cell survival assay (Findlay GM et al. Nature. 2018 10;562:217-222). This amino acid position is highly conserved in available vertebrate species. In addition, this alteration is predicted to be deleterious by in silico analysis. This variant is considered to be rare based on population cohorts in the Genome Aggregation Database (gnomAD). Based on the supporting evidence, this variant is interpreted as a disease-causing mutation.

GeneDx
Classification: Likely pathogenic. Last evaluated: 2025-05-20. Review status: criteria provided, single submitter. Criteria: GeneDx Variant Classification Process June 2021. Collection method: clinical testing. Allele origin: germline. Affected: yes. Not counted in ClinVar's aggregate classification.
Comment: Published functional studies demonstrate a damaging effect: defective homology-directed repair activity, transcriptional activation activity, binding activity and specificity, and cell survival (PMID: 17308087, 20516115, 21473589, 30209399, 30765603, 35665744); Not observed at significant frequency in large population cohorts (gnomAD); In silico analysis supports that this missense variant has a deleterious effect on protein structure/function; Also known as 5217A>G; This variant is associated with the following publications: (PMID: 21447777, 20516115, 21473589, 17305420, 15235020, 17308087, 22737296, 14534301, 15689452, 24845084, 28781887, 25525159, 35665744, 33087888, 25348405, 30209399, 30765603)

Brotman Baty Institute, University of Washington
No classification provided (evidence only). Condition: Breast-ovarian cancer, familial 1. Review status: no classification provided. Collection method: in vitro. Allele origin: not applicable. Functional consequence: functionally_abnormal. Not counted in ClinVar's aggregate classification.
ClinVar note: "not provided" was previously submitted as the classification for the variant. However, the classification appeared to be based only on an observation of functional data so it was converted to no classification on 2025-07-30.

Literature cited by the submitters: PubMed 20516115 (cited by 3 submitters); PubMed 30209399 (cited by 3 submitters); PubMed 15689452 (cited by Labcorp Genetics (formerly Invitae), Labcorp); PubMed 17308087 (cited by Labcorp Genetics (formerly Invitae), Labcorp and Ambry Genetics); PubMed 30765603 (cited by Labcorp Genetics (formerly Invitae), Labcorp); PubMed 15235020 (cited by Ambry Genetics); PubMed 17305420 (cited by Ambry Genetics); PubMed 21447777 (cited by Ambry Genetics); PubMed 21473589 (cited by Ambry Genetics); PubMed 25525159 (cited by Ambry Genetics); PubMed 28781887 (cited by Ambry Genetics).

NM_007294.4(BRCA1):c.5098A>G (p.Thr1700Ala)

Gene: BRCA1 (BRCA1 DNA repair associated; minus strand). Cytogenetic location: 17q21.31.
Variant type: single nucleotide variant.
Coding change: c.5098A>G on transcript NM_007294.4 (MANE Select); coding-DNA position 5098, A replaced by G.
Protein change: p.Thr1700Ala; replaces threonine 1700 with alanine.
Molecular consequence: missense variant. On other transcripts: non-coding transcript variant (1).
Genome position (GRCh38, 1-based): chr17:43,063,928, T>C on the plus strand (A>G on the coding strand, the complement: BRCA1 is on the minus strand). VCF-style: chr17-43063928-T-C. GRCh37 (hg19) VCF-style: chr17-41215945-T-C.
Other names: NM_007294.4(BRCA1):c.5098A>G; p.Thr1700Ala; c.1783A>G, p.Thr595Ala (NM_001408403.1, NM_001408404.1, NM_001408473.1 and 8 more transcripts); c.1780A>G, p.Thr594Ala (NM_001408406.1, NM_001408407.1, NM_001408408.1); c.1777A>G, p.Thr593Ala (NM_001408409.1); c.1714A>G, p.Thr572Ala (NM_001408410.1); c.1711A>G, p.Thr571Ala (NM_001408411.1); c.1708A>G, p.Thr570Ala (NM_001408412.1, NM_001408413.1, NM_001408414.1 and 2 more transcripts); and 73 more; short protein forms T1700A, T596A, T1653A, T1721A, T1588A, T1610A, T1628A, T1633A.
Identifiers: ClinVar variation 55399 (VCV000055399.23), dbSNP rs397509227, ClinGen allele CA003238.